The following is an entry in ClinVar:

NM_006306.4(SMC1A):c.1173G>A (p.Gln391=)

Gene: SMC1A (structural maintenance of chromosomes 1A; minus strand). Cytogenetic location: Xp11.22.
Variant type: single nucleotide variant.
Coding change: c.1173G>A on transcript NM_006306.4 (MANE Select); coding-DNA position 1173, G replaced by A.
Protein change: p.Gln391=; no amino-acid change (glutamine 391 retained).
Molecular consequence: synonymous variant.
Genome position (GRCh38, 1-based): chrX:53,411,842, C>T on the plus strand (G>A on the coding strand, the complement: SMC1A is on the minus strand). VCF-style: chrX-53411842-C-T. GRCh37 (hg19) VCF-style: chrX-53438792-C-T.
Other names: c.1107G>A, p.Gln369= (NM_001281463.1).
Identifiers: ClinVar variation 368589 (VCV000368589.48), dbSNP rs147952638, ClinGen allele CA10420592.

ClinVar aggregate classification (germline): Benign/Likely benign. Review status: criteria provided, multiple submitters, no conflicts (2 of 4 stars). 8 submissions from 8 submitters: Benign (3); Likely benign (4). 1 of the submissions does not count toward it. Last evaluated 2026-02-01.

Conditions:
Inborn genetic diseases. Identifiers: MedGen C0950123, MeSH D030342.
Congenital muscular hypertrophy-cerebral syndrome (CDLS2). Also called: Cornelia de Lange syndrome 2; SMC1A-Related Cornelia de Lange Syndrome. Identifiers: Orphanet 199, MedGen C1802395, MONDO:0010370, OMIM 300590.
Developmental and epileptic encephalopathy, 85, with or without midline brain defects. Also called: EPILEPTIC ENCEPHALOPATHY, EARLY INFANTILE, 85, WITH OR WITHOUT MIDLINE BRAIN DEFECTS. Identifiers: MedGen C5393312, MONDO:0026771, OMIM 301044.
SMC1A-related disorder. Also called: SMC1A-related condition.

Allele frequency attached by ClinVar (database versions not stated): ESP Exome Variant Server 0.00019; gnomAD 0.00019 and 0.00022; gnomAD exomes 0.00019 and 0.00062; TOPMed 0.00034; 1000 Genomes Project 0.00053; ExAC 0.00059; 1000 Genomes Project 30x 0.00062.
gnomAD v4.1: 246 of 1,209,516 alleles (0.02%); highest among the groups gnomAD compares: East Asian, 0.54%; 1 homozygote.

Submissions (8):

Labcorp Genetics (formerly Invitae), Labcorp
Classification: Benign for Congenital muscular hypertrophy-cerebral syndrome. Last evaluated: 2026-02-01. Review status: criteria provided, single submitter. Criteria: Invitae Variant Classification Sherloc (09022015). Collection method: clinical testing. Allele origin: germline.

Blueprint Genetics
Classification: Likely benign. Last evaluated: 2024-10-07. Review status: criteria provided, single submitter. Criteria: ACMG Guidelines, 2015. Collection method: clinical testing. Allele origin: germline.

CeGaT Center for Human Genetics Tuebingen
Classification: Likely benign. Last evaluated: 2023-12-01. Review status: criteria provided, single submitter. Criteria: CeGaT Center For Human Genetics Tuebingen Variant Classification Criteria Version 2. Collection method: clinical testing. Allele origin: germline. Affected: yes. Observed: 2 variant alleles.
Comment: SMC1A: BP4, BP7, BS2

Fulgent Genetics
Classification: Likely benign for Congenital muscular hypertrophy-cerebral syndrome; Developmental and epileptic encephalopathy, 85, with or without midline brain defects. Last evaluated: 2021-10-01. Review status: criteria provided, single submitter. Criteria: ACMG Guidelines, 2015. Collection method: clinical testing. Allele origin: unknown.

GeneDx
Classification: Likely benign. Last evaluated: 2019-02-28. Review status: criteria provided, single submitter. Criteria: GeneDx Variant Classification Process June 2021. Collection method: clinical testing. Allele origin: germline. Affected: yes.
Comment: This variant is associated with the following publications: (PMID: 28964959)

Illumina Laboratory Services, Illumina
Classification: Benign for Congenital muscular hypertrophy-cerebral syndrome. Last evaluated: 2018-01-13. Review status: criteria provided, single submitter. Criteria: ICSL Variant Classification Criteria 13 December 2019. Collection method: clinical testing. Allele origin: germline.
Comment: This variant was observed in the ICSL laboratory as part of a predisposition screen in an ostensibly healthy population. It had not been previously curated by ICSL or reported in the Human Gene Mutation Database (HGMD: prior to June 1st, 2018), and was therefore a candidate for classification through an automated scoring system. Utilizing variant allele frequency, disease prevalence and penetrance estimates, and inheritance mode, an automated score was calculated to assess if this variant is too frequent to cause the disease. Based on the score and internal cut-off values, a variant classified as benign is not then subjected to further curation. The score for this variant resulted in a classification of benign for this disease.

Ambry Genetics
Classification: Benign for Inborn genetic diseases. Last evaluated: 2016-12-20. Review status: criteria provided, single submitter. Criteria: Ambry Variant Classification Scheme 2023. Collection method: clinical testing. Allele origin: germline.

PreventionGenetics, part of Exact Sciences
Classification: Benign for SMC1A-related condition. Last evaluated: 2019-04-17. Review status: no assertion criteria provided. Collection method: clinical testing. Allele origin: germline. Not counted in ClinVar's aggregate classification.
Comment: This variant is classified as benign based on ACMG/AMP sequence variant interpretation guidelines (Richards et al. 2015 PMID: 25741868, with internal and published modifications).